The following is an entry in ClinVar:

ClinVar aggregate classification (germline): Pathogenic. Review status: criteria provided, multiple submitters, no conflicts (2 of 4 stars). 2 submissions from 2 submitters: Pathogenic (2). Last evaluated 2023-03-13.

Conditions:
Arrhythmogenic right ventricular dysplasia 11. Also called: Arrhythmogenic right ventricular dysplasia 11 with mild palmoplantar keratoderma and woolly hair; Arrhythmogenic Right Ventricular Dysplasia/Cardiomyopathy11; ARRHYTHMOGENIC RIGHT VENTRICULAR DYSPLASIA, FAMILIAL, 11. Identifiers: MedGen C1864850, MONDO:0012506, OMIM 610476.
Cardiovascular phenotype. Identifiers: MedGen CN230736.

Submissions (2):

Ambry Genetics
Classification: Pathogenic for Cardiovascular phenotype. Last evaluated: 2023-03-13. Review status: criteria provided, single submitter. Criteria: Ambry Variant Classification Scheme 2023. Collection method: clinical testing. Allele origin: germline.
Comment: The c.2186delC pathogenic mutation, located in coding exon 14 of the DSC2 gene, results from a deletion of one nucleotide at nucleotide position 2186, causing a translational frameshift with a predicted alternate stop codon (p.P729Lfs*4). This variant is considered to be rare based on population cohorts in the Genome Aggregation Database (gnomAD). This alteration is expected to result in loss of function by premature protein truncation or nonsense-mediated mRNA decay. As such, this alteration is interpreted as a disease-causing mutation.

Labcorp Genetics (formerly Invitae), Labcorp
Classification: Pathogenic for Arrhythmogenic right ventricular dysplasia 11. Last evaluated: 2020-12-19. Review status: criteria provided, single submitter. Criteria: Invitae Variant Classification Sherloc (09022015). Collection method: clinical testing. Allele origin: germline.
Comment: For these reasons, this variant has been classified as Pathogenic. Loss-of-function variants in DSC2 are known to be pathogenic (PMID: 18957847, 23863954, 23911551). This variant has not been reported in the literature in individuals with DSC2-related disease. This variant is not present in population databases (ExAC no frequency). This sequence change creates a premature translational stop signal (p.Pro729Leufs*4) in the DSC2 gene. It is expected to result in an absent or disrupted protein product.

Literature cited by the submitters: PubMed 18957847 (cited by Labcorp Genetics (formerly Invitae), Labcorp); PubMed 23863954 (cited by Labcorp Genetics (formerly Invitae), Labcorp); PubMed 23911551 (cited by Labcorp Genetics (formerly Invitae), Labcorp).

NM_024422.6(DSC2):c.2186del (p.Pro729fs)

Gene: DSC2 (desmocollin 2; minus strand). Cytogenetic location: 18q12.1.
Variant type: Deletion.
Coding change: c.2186del on transcript NM_024422.6 (MANE Select); coding-DNA position 2186, one base deleted (C; older notation c.2186delC).
Protein change: p.Pro729fs; shifts the reading frame from proline 729.
Molecular consequence: frameshift variant.
Genome position (GRCh38, 1-based): chr18:31,070,790, G deleted on the plus strand (C on the coding strand, the reverse complement: DSC2 is on the minus strand); the first of 2 consecutive G bases (chr18:31,070,790-31,070,791); deleting either gives the same sequence. VCF-style (leftmost placement, unchanged base first): chr18-31070789-AG-A. GRCh37 (hg19) VCF-style: chr18-28650755-AG-A.
Other names: c.2186del, p.Pro729fs (NM_004949.5); c.2186delC (NM_024422.3); c.2186del (NM_024422.4); short protein forms P729fs.
Identifiers: ClinVar variation 662906 (VCV000662906.10), dbSNP rs1598572298, ClinGen allele CA915952452.
Genomic context (GRCh38, chr18:31,070,789, plus strand): 5'-TTTGTCATCTCCAGGAGCTTCTGTGTTTGATACAATTAGGTTCTGCTGGGCTAAATCATC[AG>A]GAATTACTTTTGGTTGTTTAGACGTCCCAGAAGCCCCACAGACCAGCGTAAACAGGATGC-3'